The following is an entry in ClinVar:

ClinVar aggregate classification (germline): Pathogenic (1 of 4 stars; one submission).

Submission:

Labcorp Genetics (formerly Invitae), Labcorp
Classification: Pathogenic. Last evaluated: 2023-07-27. Review status: criteria provided, single submitter. Criteria: Invitae Variant Classification Sherloc (09022015). Collection method: clinical testing. Allele origin: germline.
Comment: For these reasons, this variant has been classified as Pathogenic. This variant has not been reported in the literature in individuals affected with CDC45-related conditions. This variant is not present in population databases (gnomAD no frequency). This sequence change creates a premature translational stop signal (p.Cys323Alafs*32) in the CDC45 gene. It is expected to result in an absent or disrupted protein product. Loss-of-function variants in CDC45 are known to be pathogenic (PMID: 27374770, 30986546).

Literature cited by the submitters: PubMed 27374770; PubMed 30986546.

NM_003504.5(CDC45):c.870del (p.Cys291fs)

Gene: CDC45 (cell division cycle 45; plus strand). Cytogenetic location: 22q11.21.
Variant type: Deletion.
Coding change: c.870del on transcript NM_003504.5 (MANE Select); coding-DNA position 870, one base deleted (G; older notation c.870delG).
Protein change: p.Cys291fs; shifts the reading frame from cysteine 291.
Molecular consequence: frameshift variant. On other transcripts: non-coding transcript variant (1).
Genome position (GRCh38, 1-based): chr22:19,507,431, G deleted. VCF-style (leftmost placement, unchanged base first): chr22-19507430-TG-T. GRCh37 (hg19) VCF-style: chr22-19494953-TG-T.
Other names: c.966del, p.Cys323fs (NM_001178010.2); c.732del, p.Cys245fs (NM_001178011.2); c.834del, p.Cys279fs (NM_001369291.1); short protein forms C291fs, C323fs, C245fs, C279fs.
Identifiers: ClinVar variation 2747512 (VCV002747512.3), dbSNP rs2517653620, ClinGen allele CA2697547665.